The following is an entry in ClinVar:

NM_004656.4(BAP1):c.1184C>T (p.Ser395Leu)

Gene: BAP1 (BRCA1 associated deubiquitinase 1; minus strand). Cytogenetic location: 3p21.1.
Variant type: single nucleotide variant.
Coding change: c.1184C>T on transcript NM_004656.4 (MANE Select); coding-DNA position 1184, C replaced by T.
Protein change: p.Ser395Leu; replaces serine 395 with leucine.
Molecular consequence: missense variant.
Genome position (GRCh38, 1-based): chr3:52,404,519, G>A on the plus strand (C>T on the coding strand, the complement: BAP1 is on the minus strand). VCF-style: chr3-52404519-G-A. GRCh37 (hg19) VCF-style: chr3-52438535-G-A.
Other names: c.1130C>T, p.Ser377Leu (NM_001410772.1); short protein forms S377L, S395L.
Identifiers: ClinVar variation 2565170 (VCV002565170.2), dbSNP rs2153226861, ClinGen allele CA353103130.

ClinVar aggregate classification (germline): Uncertain significance (1 of 4 stars; one submission).

Conditions:
Hereditary cancer-predisposing syndrome. Also called: Neoplastic Syndromes, Hereditary; Hereditary Cancer Syndrome; Hereditary neoplastic syndrome; Tumor predisposition. Identifiers: Orphanet 140162, MedGen C0027672, MeSH D009386, MONDO:0015356.

Allele frequency attached by ClinVar (database versions not stated): gnomAD exomes below 0.00001.
gnomAD v4.1: 1 of 1,614,138 alleles (0.000062%); highest among the groups gnomAD compares: Non-Finnish European, 0.000085%; no homozygotes.

Submission:

Ambry Genetics
Classification: Uncertain significance for Hereditary cancer-predisposing syndrome. Last evaluated: 2023-04-13. Review status: criteria provided, single submitter. Criteria: Ambry Variant Classification Scheme 2023. Collection method: clinical testing. Allele origin: germline.
Comment: The p.S395L variant (also known as c.1184C>T), located in coding exon 12 of the BAP1 gene, results from a C to T substitution at nucleotide position 1184. The serine at codon 395 is replaced by leucine, an amino acid with dissimilar properties. This amino acid position is conserved. In addition, the in silico prediction for this alteration is inconclusive. Since supporting evidence is limited at this time, the clinical significance of this alteration remains unclear.